The following is an entry in ClinVar:

ClinVar aggregate classification (germline): Uncertain significance (1 of 4 stars; one submission).

Submission:

Labcorp Genetics (formerly Invitae), Labcorp
Classification: Uncertain significance. Last evaluated: 2023-01-17. Review status: criteria provided, single submitter. Criteria: Invitae Variant Classification Sherloc (09022015). Collection method: clinical testing. Allele origin: germline.
Comment: This variant is not present in population databases (gnomAD no frequency). In summary, the available evidence is currently insufficient to determine the role of this variant in disease. Therefore, it has been classified as a Variant of Uncertain Significance. Experimental studies and prediction algorithms are not available or were not evaluated, and the functional significance of this variant is currently unknown. This variant has not been reported in the literature in individuals affected with MYH7B-related conditions. This variant, c.2666_2668del, results in the deletion of 1 amino acid(s) of the MYH7B protein (p.Leu889del), but otherwise preserves the integrity of the reading frame.

NM_020884.7(MYH7B):c.2537TGC[1] (p.Leu847del)

Gene: MYH7B (myosin heavy chain 7B; plus strand). Cytogenetic location: 20q11.22.
Variant type: Microsatellite.
Coding change: c.2537TGC[1] on transcript NM_020884.7 (MANE Select); one copy of the 3-base unit TGC starting at c.2537; the reference has two copies in a row; one copy, 3 bases deleted.
Protein change: p.Leu847del; deletes leucine 847.
Molecular consequence: inframe deletion.
Genome position (GRCh38, 1-based): chr20:34,994,241-34,994,243, TGC deleted; deleting any 3 consecutive bases within chr20:34,994,236-34,994,243 gives the same sequence; the position shown is the placement nearest the transcript's 3' end. VCF-style (leftmost placement, unchanged base first): chr20-34994235-CGCT-C. GRCh37 (hg19) VCF-style: chr20-33582038-CGCT-C.
Other names: short protein forms L847del.
Identifiers: ClinVar variation 2829587 (VCV002829587.3), dbSNP rs2519196482, ClinGen allele CA2739277131.